The following is an entry in ClinVar:

NM_001206927.2(DNAH8):c.13859T>A (p.Leu4620His)

Gene: DNAH8 (dynein axonemal heavy chain 8; plus strand). Cytogenetic location: 6p21.2.
Variant type: single nucleotide variant.
Coding change: c.13859T>A on transcript NM_001206927.2 (MANE Select); coding-DNA position 13859, T replaced by A.
Protein change: p.Leu4620His; replaces leucine 4620 with histidine.
Molecular consequence: missense variant.
Genome position (GRCh38, 1-based): chr6:39,030,127, T>A. VCF-style: chr6-39030127-T-A. GRCh37 (hg19) VCF-style: chr6-38997903-T-A.
Other names: c.13859T>A (NM_001206927.1); c.13208T>A, p.Leu4403His (NM_001371.4); short protein forms L4403H, L4620H.
Identifiers: ClinVar variation 2830721 (VCV002830721.4), dbSNP rs1255052749, ClinGen allele CA363999114.

ClinVar aggregate classification (germline): Uncertain significance. Review status: criteria provided, multiple submitters, no conflicts (2 of 4 stars). 2 submissions from 2 submitters: Uncertain significance (2). Last evaluated 2024-12-16.

Conditions:
Primary ciliary dyskinesia. Also called: Ciliary dyskinesia. Identifiers: Orphanet 244, MedGen C0008780, MONDO:0016575, HP:0012265.

Allele frequency attached by ClinVar (database versions not stated): gnomAD 0.00001; TOPMed 0.00001.
gnomAD v4.1: 7 of 1,613,844 alleles (0.00043%); highest among the groups gnomAD compares: Non-Finnish European, 0.00059%; no homozygotes.

Submissions (2):

Ambry Genetics
Classification: Uncertain significance. Last evaluated: 2024-12-16. Review status: criteria provided, single submitter. Criteria: Ambry Variant Classification Scheme 2023. Collection method: clinical testing. Allele origin: germline.

Labcorp Genetics (formerly Invitae), Labcorp
Classification: Uncertain significance for Primary ciliary dyskinesia. Last evaluated: 2023-04-17. Review status: criteria provided, single submitter. Criteria: Invitae Variant Classification Sherloc (09022015). Collection method: clinical testing. Allele origin: germline.
Comment: This variant is present in population databases (no rsID available, gnomAD 0.0009%). In summary, the available evidence is currently insufficient to determine the role of this variant in disease. Therefore, it has been classified as a Variant of Uncertain Significance. Advanced modeling of protein sequence and biophysical properties (such as structural, functional, and spatial information, amino acid conservation, physicochemical variation, residue mobility, and thermodynamic stability) performed at Invitae indicates that this missense variant is expected to disrupt DNAH8 protein function. This variant has not been reported in the literature in individuals affected with DNAH8-related conditions. This sequence change replaces leucine, which is neutral and non-polar, with histidine, which is basic and polar, at codon 4620 of the DNAH8 protein (p.Leu4620His).